The following is an entry in ClinVar:

NM_174878.3(CLRN1):c.221G>A (p.Cys74Tyr)

Gene: CLRN1 (clarin 1; minus strand). Cytogenetic location: 3q25.1.
Variant type: single nucleotide variant.
Coding change: c.221G>A on transcript NM_174878.3 (MANE Select); coding-DNA position 221, G replaced by A.
Protein change: p.Cys74Tyr; replaces cysteine 74 with tyrosine.
Molecular consequence: missense variant. On other transcripts: non-coding transcript variant (1).
Genome position (GRCh38, 1-based): chr3:150,972,488, C>T on the plus strand (G>A on the coding strand, the complement: CLRN1 is on the minus strand). VCF-style: chr3-150972488-C-T. GRCh37 (hg19) VCF-style: chr3-150690275-C-T.
Other names: c.221G>A, p.Cys74Tyr (NM_001195794.1, NM_001256819.2); short protein forms C74Y.
Identifiers: ClinVar variation 1409612 (VCV001409612.5), dbSNP rs1484564291, ClinGen allele CA355011797.
Genomic context (GRCh38, chr3:150,972,488, plus strand): 5'-AAATAACTCAAATGCAATTGCTACTTACATGAGAACCGAAAGGGCCTTGCTCCCAACCCA[C>T]ACTGCCTCACACCCTCTCCGTGGAAAAGCCCGTACTGCATTTCACCCATAAACTTGTCCA-3'
Protein context (NP_777367.1, residues 64-84): GLFHGEGVRQ[Cys74Tyr]GLGARPFRFS

ClinVar aggregate classification (germline): Uncertain significance (1 of 4 stars; one submission).

Allele frequency attached by ClinVar (database versions not stated): TOPMed below 0.00001; gnomAD exomes 0.00001.
gnomAD v4.1: 12 of 1,614,204 alleles (0.00074%); highest among the groups gnomAD compares: African/African-American, 0.0013%; no homozygotes.

Submission:

Labcorp Genetics (formerly Invitae), Labcorp
Classification: Uncertain significance. Last evaluated: 2021-08-28. Review status: criteria provided, single submitter. Criteria: Invitae Variant Classification Sherloc (09022015). Collection method: clinical testing. Allele origin: germline.
Comment: This sequence change replaces cysteine with tyrosine at codon 74 of the CLRN1 protein (p.Cys74Tyr). The cysteine residue is highly conserved and there is a large physicochemical difference between cysteine and tyrosine. This variant is not present in population databases (ExAC no frequency). This variant has not been reported in the literature in individuals affected with CLRN1-related conditions. Algorithms developed to predict the effect of missense changes on protein structure and function are either unavailable or do not agree on the potential impact of this missense change (SIFT: "Deleterious"; PolyPhen-2: "Probably Damaging"; Align-GVGD: "Class C0"). In summary, the available evidence is currently insufficient to determine the role of this variant in disease. Therefore, it has been classified as a Variant of Uncertain Significance.